The following is an entry in ClinVar:

ClinVar aggregate classification (germline): Likely benign. Review status: criteria provided, multiple submitters, no conflicts (2 of 4 stars). 2 submissions from 2 submitters: Likely benign (2). Last evaluated 2025-07-01.

Allele frequency attached by ClinVar (database versions not stated): TOPMed 0.00006; gnomAD 0.00010.
gnomAD v4.1: 126 of 1,559,848 alleles (0.0081%); highest among the groups gnomAD compares: Non-Finnish European, 0.01%; no homozygotes.

Submissions (2):

CeGaT Center for Human Genetics Tuebingen
Classification: Likely benign. Last evaluated: 2025-07-01. Review status: criteria provided, single submitter. Criteria: CeGaT Center For Human Genetics Tuebingen Variant Classification Criteria Version 2. Collection method: clinical testing. Allele origin: germline. Affected: yes. Observed: 1 variant allele.
Comment: MCTP2: BP4, BP7

Labcorp Genetics (formerly Invitae), Labcorp
Classification: Likely benign. Last evaluated: 2018-03-30. Review status: criteria provided, single submitter. Criteria: Invitae Variant Classification Sherloc (09022015). Collection method: clinical testing. Allele origin: germline.

NM_001385001.1(MCTP2):c.1815T>C (p.Tyr605=)

Gene: MCTP2 (multiple C2 and transmembrane domain containing 2; plus strand). Cytogenetic location: 15q26.2.
Variant type: single nucleotide variant.
Coding change: c.1815T>C on transcript NM_001385001.1 (MANE Select); coding-DNA position 1815, T replaced by C.
Protein change: p.Tyr605=; no amino-acid change (tyrosine 605 retained).
Molecular consequence: synonymous variant. On other transcripts: non-coding transcript variant (7).
Genome position (GRCh38, 1-based): chr15:94,398,987, T>C. VCF-style: chr15-94398987-T-C. GRCh37 (hg19) VCF-style: chr15-94942216-T-C.
Other names: c.1815T>C, p.Tyr605= (NM_001159643.2, NM_001385002.1, NM_001385003.1 and 5 more transcripts); c.579T>C, p.Tyr193= (NM_001159644.2); c.1533T>C, p.Tyr511= (NM_001385007.1); c.1317T>C, p.Tyr439= (NM_001385009.1, NM_001385010.1); c.1497T>C, p.Tyr499= (NM_001385011.1).
Identifiers: ClinVar variation 736202 (VCV000736202.11), dbSNP rs201723164, ClinGen allele CA7750132.